The following is an entry in ClinVar:

NM_001371279.1(REEP1):c.545_546delinsTA (p.His182Leu)

Gene: REEP1 (receptor accessory protein 1; minus strand). Cytogenetic location: 2p11.2.
Variant type: Indel.
Coding change: c.545_546delinsTA on transcript NM_001371279.1 (MANE Select); coding-DNA positions 545 to 546, AC replaced by TA.
Protein change: p.His182Leu; replaces histidine 182 with leucine.
Molecular consequence: missense variant. On other transcripts: nonsense (1), intron variant (1).
Genome position (GRCh38, 1-based): chr2:86,232,674-86,232,675, GT replaced by TA on the plus strand (AC replaced by TA on the coding strand, the reverse complement: REEP1 is on the minus strand). VCF-style: chr2-86232674-GT-TA. GRCh37 (hg19) VCF-style: chr2-86459797-GT-TA.
Other names: c.566_567delinsTA, p.His189Leu (NM_001164730.2); c.464_465delinsTA, p.His155Leu (NM_001164731.2); c.310_311delinsTA, p.Thr104Ter (NM_001164732.2); c.545_546delinsTA, p.His182Leu (NM_022912.3); c.418-15565_418-15564delinsTA (NM_001371280.1); short protein forms H155L, H182L, H189L, T104*.
Identifiers: ClinVar variation 1701383 (VCV001701383.32), dbSNP rs2104051836, ClinGen allele CA2580068277.

ClinVar aggregate classification (germline): Uncertain significance. Review status: criteria provided, multiple submitters, no conflicts (2 of 4 stars). 2 submissions from 2 submitters: Uncertain significance (2). Last evaluated 2025-11-15.

Conditions:
Hereditary spastic paraplegia 31. Also called: SPASTIC PARAPLEGIA 31, AUTOSOMAL DOMINANT. Identifiers: Orphanet 101011, MedGen C1853247, MONDO:0012453, OMIM 610250.

Submissions (2):

Labcorp Genetics (formerly Invitae), Labcorp
Classification: Uncertain significance for Hereditary spastic paraplegia 31. Last evaluated: 2025-11-15. Review status: criteria provided, single submitter. Criteria: Invitae Variant Classification Sherloc (09022015). Collection method: clinical testing. Allele origin: germline.
Comment: This sequence change replaces histidine, which is basic and polar, with leucine, which is neutral and non-polar, at codon 182 of the REEP1 protein (p.His182Leu). Information on the frequency of this variant in the gnomAD database is not available, as this variant may be reported differently in the database. This variant has not been reported in the literature in individuals affected with REEP1-related conditions. ClinVar contains an entry for this variant (Variation ID: 1701383). An algorithm developed to predict the effect of missense changes on protein structure and function (PolyPhen-2) suggests that this variant is likely to be disruptive. In summary, the available evidence is currently insufficient to determine the role of this variant in disease. Therefore, it has been classified as a Variant of Uncertain Significance.

CeGaT Center for Human Genetics Tuebingen
Classification: Uncertain significance. Last evaluated: 2021-04-01. Review status: criteria provided, single submitter. Criteria: CeGaT Center For Human Genetics Tuebingen Variant Classification Criteria Version 2. Collection method: clinical testing. Allele origin: germline. Affected: yes. Observed: 1 variant allele.